The following is an entry in ClinVar:

ClinVar aggregate classification (germline): Uncertain significance. Review status: criteria provided, multiple submitters, no conflicts (2 of 4 stars). 2 submissions from 2 submitters: Uncertain significance (2). Last evaluated 2025-07-16.

Conditions:
Hyperkalemic periodic paralysis. Also called: Familial hyperkalemic periodic paralysis; Gamstorp disease. Identifiers: Orphanet 682, MedGen C0238357, MONDO:0008224, OMIM 170500, HP:0007215.
Inborn genetic diseases. Identifiers: MedGen C0950123, MeSH D030342.

Submissions (2):

Labcorp Genetics (formerly Invitae), Labcorp
Classification: Uncertain significance for Hyperkalemic periodic paralysis. Last evaluated: 2025-07-16. Review status: criteria provided, single submitter. Criteria: Invitae Variant Classification Sherloc (09022015). Collection method: clinical testing. Allele origin: germline.
Comment: This sequence change replaces tyrosine, which is neutral and polar, with histidine, which is basic and polar, at codon 1506 of the SCN4A protein (p.Tyr1506His). This variant is not present in population databases (gnomAD no frequency). This variant has not been reported in the literature in individuals affected with SCN4A-related conditions. ClinVar contains an entry for this variant (Variation ID: 2284387). Invitae Evidence Modeling of protein sequence and biophysical properties (such as structural, functional, and spatial information, amino acid conservation, physicochemical variation, residue mobility, and thermodynamic stability) has been performed for this missense variant. However, the output from this modeling did not meet the statistical confidence thresholds required to predict the impact of this variant on SCN4A protein function. In summary, the available evidence is currently insufficient to determine the role of this variant in disease. Therefore, it has been classified as a Variant of Uncertain Significance.

Ambry Genetics
Classification: Uncertain significance for Inborn genetic diseases. Last evaluated: 2022-04-14. Review status: criteria provided, single submitter. Criteria: Ambry Variant Classification Scheme 2023. Collection method: clinical testing. Allele origin: germline.

NM_000334.4(SCN4A):c.4516T>C (p.Tyr1506His)

Genes: GH-LCR (growth hormone locus control region; plus strand), SCN4A (sodium voltage-gated channel alpha subunit 4; minus strand). Cytogenetic location: 17q23.3.
Variant type: single nucleotide variant.
Coding change: c.4516T>C on transcript NM_000334.4 (MANE Select); coding-DNA position 4516, T replaced by C.
Protein change: p.Tyr1506His; replaces tyrosine 1506 with histidine.
Molecular consequence: missense variant.
Genome position (GRCh38, 1-based): chr17:63,941,766, A>G on the plus strand (T>C on the coding strand, the complement: SCN4A is on the minus strand). VCF-style: chr17-63941766-A-G. GRCh37 (hg19) VCF-style: chr17-62019126-A-G.
Other names: short protein forms Y1506H.
Identifiers: ClinVar variation 2284387 (VCV002284387.3), dbSNP rs2509284917, ClinGen allele CA400615851.